The following is an entry in ClinVar:

ClinVar aggregate classification (germline): Likely benign (1 of 4 stars; one submission).

gnomAD v4.1: 1,806 of 1,612,790 alleles (0.11%); highest among the groups gnomAD compares: Middle Eastern, 0.23%; 16 homozygotes.

Submission:

CeGaT Center for Human Genetics Tuebingen
Classification: Likely benign. Last evaluated: 2026-02-01. Review status: criteria provided, single submitter. Criteria: CeGaT Center For Human Genetics Tuebingen Variant Classification Criteria Version 2. Collection method: clinical testing. Allele origin: germline. Affected: yes. Observed: 1 variant allele.
Comment: MEI1: BP4, BP7

NM_152513.4(MEI1):c.1182T>C (p.Ala394=)

Gene: MEI1 (meiotic double-stranded break formation protein 1; plus strand). Cytogenetic location: 22q13.2.
Variant type: single nucleotide variant.
Coding change: c.1182T>C on transcript NM_152513.4 (MANE Select); coding-DNA position 1182, T replaced by C.
Protein change: p.Ala394=; no amino-acid change (alanine 394 retained).
Molecular consequence: synonymous variant.
Genome position (GRCh38, 1-based): chr22:41,732,330, T>C. VCF-style: chr22-41732330-T-C. GRCh37 (hg19) VCF-style: chr22-42128334-T-C.
Identifiers: ClinVar variation 4820765 (VCV004820765.4).